The following is an entry in ClinVar:

ClinVar aggregate classification (germline): Conflicting classifications of pathogenicity. Review status: criteria provided, conflicting classifications (1 of 4 stars). 2 submissions from 2 submitters: Uncertain significance (1); Likely benign (1). Last evaluated 2026-09-02.

Conditions:
GALNS-related disorder. Also called: GALNS-related condition.

gnomAD v4.1: 62 of 1,495,914 alleles (0.0041%); highest among the groups gnomAD compares: South Asian, 0.013%; no homozygotes.

Submissions (2):

PreventionGenetics, part of Exact Sciences
Classification: Uncertain significance for GALNS-related condition. Last evaluated: 2026-09-02. Review status: criteria provided, single submitter. Criteria: ACMG Guidelines, 2015. Collection method: clinical testing. Allele origin: germline.
Comment: The GALNS c.77G>A variant is predicted to result in the amino acid substitution p.Arg26Gln. To our knowledge, this variant has not been reported in the literature. This variant is reported in 0.084% of alleles in individuals of Ashkenazi Jewish descent in gnomAD. Although we suspect that this variant may be benign, at this time, the clinical significance of this variant is uncertain due to the absence of conclusive functional and genetic evidence.

Blueprint Genetics
Classification: Likely benign. Last evaluated: 2024-07-01. Review status: criteria provided, single submitter. Criteria: ACMG Guidelines, 2015. Collection method: clinical testing. Allele origin: germline.

NM_000512.5(GALNS):c.121-262G>A

Gene: GALNS (galactosamine (N-acetyl)-6-sulfatase; minus strand). Cytogenetic location: 16q24.3.
Variant type: single nucleotide variant.
Coding change: c.121-262G>A on transcript NM_000512.5 (MANE Select); 262 bases into the intron before coding-DNA position 121, G replaced by A.
Molecular consequence: intron variant. On other transcripts: missense variant (1).
Genome position (GRCh38, 1-based): chr16:88,843,091, C>T on the plus strand (G>A on the coding strand, the complement: GALNS is on the minus strand). VCF-style: chr16-88843091-C-T. GRCh37 (hg19) VCF-style: chr16-88909499-C-T.
Other names: c.77G>A (NM_001323544.1); c.77G>A, p.Arg26Gln (NM_001323544.2); c.-311-1120G>A (NM_001323543.2); short protein forms R26Q.
Identifiers: ClinVar variation 4931980 (VCV004931980.2).